The following is an entry in ClinVar:

ClinVar aggregate classification (germline): Benign. Review status: criteria provided, multiple submitters, no conflicts (2 of 4 stars). 3 submissions from 2 submitters: Benign (3). Last evaluated 2018-01-13.

Conditions:
Nephronophthisis 12 (NPHP12). Identifiers: Orphanet 655, MedGen C3151186, MONDO:0013442, OMIM 613820.
Asphyxiating thoracic dystrophy 4 (SRTD4). Also called: SHORT-RIB THORACIC DYSPLASIA 4 WITH OR WITHOUT POLYDACTYLY; SHORT-RIB THORACIC DYSPLASIA 4. Identifiers: Orphanet 474, MedGen C3151185, MONDO:0013441, OMIM 613819.

Allele frequency attached by ClinVar (database versions not stated): gnomAD 0.16849 and 0.17103; TOPMed 0.17491; 1000 Genomes Project 30x 0.17505; 1000 Genomes Project 0.17752.

Submissions (3):

Illumina Laboratory Services, Illumina
Classification: Benign for Nephronophthisis 12. Last evaluated: 2018-01-13. Review status: criteria provided, single submitter. Criteria: ICSL Variant Classification Criteria 13 December 2019. Collection method: clinical testing. Allele origin: germline.
Comment: This variant was observed in the ICSL laboratory as part of a predisposition screen in an ostensibly healthy population. It had not been previously curated by ICSL or reported in the Human Gene Mutation Database (HGMD: prior to June 1st, 2018), and was therefore a candidate for classification through an automated scoring system. Utilizing variant allele frequency, disease prevalence and penetrance estimates, and inheritance mode, an automated score was calculated to assess if this variant is too frequent to cause the disease. Based on the score and internal cut-off values, a variant classified as benign is not then subjected to further curation. The score for this variant resulted in a classification of benign for this disease.

Illumina Laboratory Services, Illumina
Classification: Benign for Asphyxiating thoracic dystrophy 4. Last evaluated: 2018-01-13. Review status: criteria provided, single submitter. Criteria: ICSL Variant Classification Criteria 13 December 2019. Collection method: clinical testing. Allele origin: germline.
Comment: the same text as in the submission from Illumina Laboratory Services, Illumina above.

Breakthrough Genomics
Classification: Benign. Review status: criteria provided, single submitter. Criteria: ACMG Guidelines, 2015. Collection method: not provided. Allele origin: germline. Inheritance: Autosomal recessive inheritance. Affected: yes.

NM_024753.5(TTC21B):c.*517G>A

Gene: TTC21B (tetratricopeptide repeat domain 21B; minus strand). Cytogenetic location: 2q24.3.
Variant type: single nucleotide variant.
Coding change: c.*517G>A on transcript NM_024753.5 (MANE Select); 517 bases downstream of the stop codon, G replaced by A.
Molecular consequence: 3 prime UTR variant.
Genome position (GRCh38, 1-based): chr2:165,874,238, C>T on the plus strand (G>A on the coding strand, the complement: TTC21B is on the minus strand). VCF-style: chr2-165874238-C-T. GRCh37 (hg19) VCF-style: chr2-166730748-C-T.
Identifiers: ClinVar variation 331811 (VCV000331811.6), dbSNP rs77199262, ClinGen allele CA10611159.